The following is an entry in ClinVar:

NM_001127222.2(CACNA1A):c.337A>G (p.Ile113Val)

Gene: CACNA1A (calcium voltage-gated channel subunit alpha1 A; minus strand). Cytogenetic location: 19p13.13.
Variant type: single nucleotide variant.
Coding change: c.337A>G on transcript NM_001127222.2 (MANE Select); coding-DNA position 337, A replaced by G.
Protein change: p.Ile113Val; replaces isoleucine 113 with valine.
Molecular consequence: missense variant.
Genome position (GRCh38, 1-based): chr19:13,455,169, T>C on the plus strand (A>G on the coding strand, the complement: CACNA1A is on the minus strand). VCF-style: chr19-13455169-T-C. GRCh37 (hg19) VCF-style: chr19-13565983-T-C.
Other names: c.337A>G, p.Ile113Val (NM_000068.4, NM_001127221.2, NM_001174080.2 and 1 more transcripts); short protein forms I113V.
Identifiers: ClinVar variation 1011048 (VCV001011048.10), dbSNP rs746955115, ClinGen allele CA9241061.

ClinVar aggregate classification (germline): Uncertain significance. Review status: criteria provided, multiple submitters, no conflicts (2 of 4 stars). 2 submissions from 2 submitters: Uncertain significance (2). Last evaluated 2022-03-14.

Conditions:
Developmental and epileptic encephalopathy, 42 (DEE42A). Also called: DEVELOPMENTAL AND EPILEPTIC ENCEPHALOPATHY 42A; EPILEPTIC ENCEPHALOPATHY, EARLY INFANTILE, 42A; Epileptic encephalopathy, early infantile, 42. Identifiers: MedGen C4310716, MONDO:0014917, OMIM 617106.
Episodic ataxia type 2 (EA2). Also called: ACETAZOLAMIDE-RESPONSIVE HEREDITARY PAROXYSMAL CEREBELLAR ATAXIA; EPISODIC ATAXIA, NYSTAGMUS-ASSOCIATED; ATAXIA, EPISODIC, WITH NYSTAGMUS; ATAXIA, FAMILIAL PAROXYSMAL; CEREBELLAR ATAXIA, PAROXYSMAL, ACETAZOLAMIDE-RESPONSIVE; CEREBELLOPATHY, HEREDITARY PAROXYSMAL. Identifiers: Orphanet 97, MedGen C1720416, MONDO:0007163, OMIM 108500.

Allele frequency attached by ClinVar (database versions not stated): gnomAD 0.00001; gnomAD exomes 0.00001; ExAC 0.00002.
gnomAD v4.1: 16 of 1,612,550 alleles (0.00099%); highest among the groups gnomAD compares: Non-Finnish European, 0.0014%; no homozygotes.

Submissions (2):

Labcorp Genetics (formerly Invitae), Labcorp
Classification: Uncertain significance for Developmental and epileptic encephalopathy, 42; Episodic ataxia type 2. Last evaluated: 2022-03-14. Review status: criteria provided, single submitter. Criteria: Invitae Variant Classification Sherloc (09022015). Collection method: clinical testing. Allele origin: germline.
Comment: Advanced modeling of protein sequence and biophysical properties (such as structural, functional, and spatial information, amino acid conservation, physicochemical variation, residue mobility, and thermodynamic stability) performed at Invitae indicates that this missense variant is not expected to disrupt CACNA1A protein function. In summary, the available evidence is currently insufficient to determine the role of this variant in disease. Therefore, it has been classified as a Variant of Uncertain Significance. ClinVar contains an entry for this variant (Variation ID: 1011048). This variant has not been reported in the literature in individuals affected with CACNA1A-related conditions. This variant is present in population databases (rs746955115, gnomAD 0.003%). This sequence change replaces isoleucine, which is neutral and non-polar, with valine, which is neutral and non-polar, at codon 113 of the CACNA1A protein (p.Ile113Val).

GeneDx
Classification: Uncertain significance. Last evaluated: 2019-05-13. Review status: criteria provided, single submitter. Criteria: GeneDx Variant Classification Process June 2021. Collection method: clinical testing. Allele origin: germline. Affected: yes.
Comment: Not observed at a significant frequency in large population cohorts (Lek et al., 2016); In silico analysis, which includes protein predictors and evolutionary conservation, supports that this variant does not alter protein structure/function; Has not been previously published as pathogenic or benign to our knowledge